The following is an entry in ClinVar:

ClinVar aggregate classification (germline): Likely pathogenic (1 of 4 stars; one submission).

Conditions:
Telangiectasia, hereditary hemorrhagic, type 2 (HHT2). Also called: ACVRL1-Related Hereditary Hemorrhagic Telangiectasia; Telangiectasia, hereditary hemorrhagic, type II. Identifiers: Orphanet 774, MedGen C1838163, MONDO:0010880, OMIM 600376. Disease mechanism: loss of function.

Submission:

Labcorp Genetics (formerly Invitae), Labcorp
Classification: Likely pathogenic for Telangiectasia, hereditary hemorrhagic, type 2. Last evaluated: 2022-11-29. Review status: criteria provided, single submitter. Criteria: Invitae Variant Classification Sherloc (09022015). Collection method: clinical testing. Allele origin: germline.
Comment: ClinVar contains an entry for this variant (Variation ID: 1493099). In summary, the currently available evidence indicates that the variant is pathogenic, but additional data are needed to prove that conclusively. Therefore, this variant has been classified as Likely Pathogenic. This variant disrupts the p.Tyr375 amino acid residue in ACVRL1. Other variant(s) that disrupt this residue have been determined to be pathogenic (PMID: 12700602, 23124896, 23919827). This suggests that this residue is clinically significant, and that variants that disrupt this residue are likely to be disease-causing. Advanced modeling of protein sequence and biophysical properties (such as structural, functional, and spatial information, amino acid conservation, physicochemical variation, residue mobility, and thermodynamic stability) performed at Invitae indicates that this missense variant is expected to disrupt ACVRL1 protein function. This variant has not been reported in the literature in individuals affected with ACVRL1-related conditions. This variant is not present in population databases (gnomAD no frequency). This sequence change replaces tyrosine, which is neutral and polar, with phenylalanine, which is neutral and non-polar, at codon 375 of the ACVRL1 protein (p.Tyr375Phe).

Literature cited by the submitters: PubMed 12700602; PubMed 23124896; PubMed 23919827.

NM_000020.3(ACVRL1):c.1124A>T (p.Tyr375Phe)

Gene: ACVRL1 (activin A receptor like type 1; plus strand). Cytogenetic location: 12q13.13.
Variant type: single nucleotide variant.
Coding change: c.1124A>T on transcript NM_000020.3 (MANE Select); coding-DNA position 1124, A replaced by T.
Protein change: p.Tyr375Phe; replaces tyrosine 375 with phenylalanine.
Molecular consequence: missense variant.
Genome position (GRCh38, 1-based): chr12:51,916,111, A>T. VCF-style: chr12-51916111-A-T. GRCh37 (hg19) VCF-style: chr12-52309895-A-T.
Other names: c.1124A>T, p.Tyr375Phe (NM_001077401.2); short protein forms Y375F.
Identifiers: ClinVar variation 1493099 (VCV001493099.6), dbSNP rs1085307416, ClinGen allele CA384902432.
Genomic context (GRCh38, chr12:51,916,111, plus strand): 5'-ACTCACAGGGCAGCGATTACCTGGACATCGGCAACAACCCGAGAGTGGGCACCAAGCGGT[A>T]CATGGCACCCGAGGTGCTGGACGAGCAGATCCGCACGGACTGCTTTGAGTCCTACAAGTG-3'
Protein context (NP_000011.2, residues 365-385): GNNPRVGTKR[Tyr375Phe]MAPEVLDEQI